The following is an entry in ClinVar:

NM_033337.3(CAV3):c.*805C>A

Genes: CAV3 (caveolin 3; plus strand), OXTR (oxytocin receptor; minus strand). Cytogenetic location: 3p25.3.
Variant type: single nucleotide variant.
Coding change: c.*805C>A on transcript NM_033337.3 (MANE Select); 805 bases downstream of the stop codon, C replaced by A.
Molecular consequence: 3 prime UTR variant.
Genome position (GRCh38, 1-based): chr3:8,746,672, C>A. VCF-style: chr3-8746672-C-A. GRCh37 (hg19) VCF-style: chr3-8788358-C-A.
Other names: c.*709C>A (NM_001234.5).
Identifiers: ClinVar variation 346860 (VCV000346860.7), dbSNP rs186579720, ClinGen allele CA10619680.

ClinVar aggregate classification (germline): Benign/Likely benign. Review status: criteria provided, multiple submitters, no conflicts (2 of 4 stars). 2 submissions from 2 submitters: Benign (1); Likely benign (1). Last evaluated 2021-10-14.

Conditions:
Caveolinopathy. Identifiers: Orphanet 207078, MedGen C5679790, MONDO:0016146.

Allele frequency attached by ClinVar (database versions not stated): gnomAD 0.00336 and 0.00369; 1000 Genomes Project 30x 0.00375; TOPMed 0.00396; 1000 Genomes Project 0.00439.

Submissions (2):

GeneDx
Classification: Likely benign. Last evaluated: 2021-10-14. Review status: criteria provided, single submitter. Criteria: GeneDx Variant Classification Process June 2021. Collection method: clinical testing. Allele origin: germline. Affected: yes.

Illumina Laboratory Services, Illumina
Classification: Benign for Caveolinopathy. Last evaluated: 2018-01-13. Review status: criteria provided, single submitter. Criteria: ICSL Variant Classification Criteria 13 December 2019. Collection method: clinical testing. Allele origin: germline.
Comment: This variant was observed in the ICSL laboratory as part of a predisposition screen in an ostensibly healthy population. It had not been previously curated by ICSL or reported in the Human Gene Mutation Database (HGMD: prior to June 1st, 2018), and was therefore a candidate for classification through an automated scoring system. Utilizing variant allele frequency, disease prevalence and penetrance estimates, and inheritance mode, an automated score was calculated to assess if this variant is too frequent to cause the disease. Based on the score and internal cut-off values, a variant classified as benign is not then subjected to further curation. The score for this variant resulted in a classification of benign for this disease.